The following is an entry in ClinVar:

ClinVar aggregate classification (germline): Likely benign (1 of 4 stars; one submission).

gnomAD v4.1: 15 of 1,613,784 alleles (0.00093%); highest among the groups gnomAD compares: Admixed American, 0.005%; no homozygotes.

Submission:

CeGaT Center for Human Genetics Tuebingen
Classification: Likely benign. Last evaluated: 2025-04-01. Review status: criteria provided, single submitter. Criteria: CeGaT Center For Human Genetics Tuebingen Variant Classification Criteria Version 2. Collection method: clinical testing. Allele origin: germline. Affected: yes. Observed: 1 variant allele.
Comment: ABL1: BP4

NM_005157.6(ABL1):c.2941G>A (p.Val981Ile)

Gene: ABL1 (ABL proto-oncogene 1, non-receptor tyrosine kinase; plus strand). Cytogenetic location: 9q34.12.
Variant type: single nucleotide variant.
Coding change: c.2941G>A on transcript NM_005157.6 (MANE Select); coding-DNA position 2941, G replaced by A.
Protein change: p.Val981Ile; replaces valine 981 with isoleucine.
Molecular consequence: missense variant.
Genome position (GRCh38, 1-based): chr9:130,885,231, G>A. VCF-style: chr9-130885231-G-A. GRCh37 (hg19) VCF-style: chr9-133760618-G-A.
Other names: c.2998G>A, p.Val1000Ile (NM_007313.3); short protein forms V1000I, V981I.
Identifiers: ClinVar variation 3898360 (VCV003898360.7).